The following is an entry in ClinVar:

NM_152643.8(KNDC1):c.1603C>G (p.Leu535Val)

Gene: KNDC1 (kinase non-catalytic C-lobe domain containing 1; plus strand). Cytogenetic location: 10q26.3.
Variant type: single nucleotide variant.
Coding change: c.1603C>G on transcript NM_152643.8 (MANE Select); coding-DNA position 1603, C replaced by G.
Protein change: p.Leu535Val; replaces leucine 535 with valine.
Molecular consequence: missense variant.
Genome position (GRCh38, 1-based): chr10:133,195,690, C>G. VCF-style: chr10-133195690-C-G. GRCh37 (hg19) VCF-style: chr10-135009194-C-G.
Other names: c.1603C>G, p.Leu535Val (NM_033404.2); short protein forms L535V.
Identifiers: ClinVar variation 3067750 (VCV003067750.21), dbSNP rs2540516198, ClinGen allele CA378808022.

ClinVar aggregate classification (germline): Uncertain significance (1 of 4 stars; one submission).

Submission:

CeGaT Center for Human Genetics Tuebingen
Classification: Uncertain significance. Last evaluated: 2024-03-01. Review status: criteria provided, single submitter. Criteria: CeGaT Center For Human Genetics Tuebingen Variant Classification Criteria Version 2. Collection method: clinical testing. Allele origin: germline. Affected: yes. Observed: 1 variant allele.
Comment: KNDC1: PM2